The following is an entry in ClinVar:

ClinVar aggregate classification (germline): Likely benign (1 of 4 stars; one submission).

gnomAD v4.1: 1 of 1,614,190 alleles (0.000062%); highest among the groups gnomAD compares: Non-Finnish European, 0.000085%; no homozygotes.

Submission:

Molecular Diagnostic Laboratory for Inherited Cardiovascular Disease, Montreal Heart Institute
Classification: Likely benign. Last evaluated: 2025-07-24. Review status: criteria provided, single submitter. Criteria: ACMG Guidelines, 2015. Collection method: clinical testing. Allele origin: germline. Affected: no.
Comment: BS1

NM_020778.5(ALPK3):c.192C>A (p.Phe64Leu)

Gene: ALPK3 (alpha kinase 3; plus strand). Cytogenetic location: 15q25.3.
Variant type: single nucleotide variant.
Coding change: c.192C>A on transcript NM_020778.5 (MANE Select); coding-DNA position 192, C replaced by A.
Protein change: p.Phe64Leu; replaces phenylalanine 64 with leucine.
Molecular consequence: missense variant.
Genome position (GRCh38, 1-based): chr15:84,827,493, C>A. VCF-style: chr15-84827493-C-A. GRCh37 (hg19) VCF-style: chr15-85370724-C-A.
Other names: short protein forms F64L.
Identifiers: ClinVar variation 4076477 (VCV004076477.1), dbSNP rs115479471.
Genomic context (GRCh38, chr15:84,827,493, plus strand): 5'-GCTGTTTGTTGTGGGGAAGGCCAGCTCTGAATAGCTCTTTGCCTCTCTTAGGAGCACCTT[C>A]TGCTCCATCATTGCTCAGCTCACAGAGGAGACCCAGCCGCTATTTGAGACCACGCTCAAG-3'
Protein context (NP_065829.4, residues 54-74): LSHPSSGRST[Phe64Leu]CSIIAQLTEE